The following is an entry in ClinVar:

NM_015030.2(FRYL):c.7775_7776del (p.Leu2592fs)

Gene: FRYL (FRY like transcription coactivator; minus strand). Cytogenetic location: 4p11.
Variant type: Deletion.
Coding change: c.7775_7776del on transcript NM_015030.2 (MANE Select); coding-DNA positions 7775 to 7776, 2 bases deleted (TT; older notation c.7775_7776delTT).
Protein change: p.Leu2592fs; shifts the reading frame from leucine 2592.
Molecular consequence: frameshift variant.
Genome position (GRCh38, 1-based): chr4:48,515,189-48,515,190, AA deleted on the plus strand (TT on the coding strand, the reverse complement: FRYL is on the minus strand). VCF-style (leftmost placement, unchanged base first): chr4-48515188-CAA-C. GRCh37 (hg19) VCF-style: chr4-48517205-CAA-C.
Other names: short protein forms L2592fs.
Identifiers: ClinVar variation 3683209 (VCV003683209.2).
Genomic context (GRCh38, chr4:48,515,188, plus strand): 5'-TTTCAGGAGCTAGAGGCTCTGGCATTTCAGTTTCTTCTAAATCAAGAATTCCTTGACACA[CAA>C]GAGATTCCTGCTGTTCTTGAATTATATAGGATCCTTCATCTTCAAAGGTTGTAACATGTT-3'

ClinVar aggregate classification (germline): Pathogenic (1 of 4 stars; one submission).

Submission:

Labcorp Genetics (formerly Invitae), Labcorp
Classification: Pathogenic. Last evaluated: 2024-12-16. Review status: criteria provided, single submitter. Criteria: Invitae Variant Classification Sherloc (09022015). Collection method: clinical testing. Allele origin: germline.
Comment: This sequence change creates a premature translational stop signal (p.Leu2592Argfs*7) in the FRYL gene. It is expected to result in an absent or disrupted protein product. Loss-of-function variants in FRYL are known to be pathogenic (PMID: 38479391). This variant is not present in population databases (gnomAD no frequency). This variant has not been reported in the literature in individuals affected with FRYL-related conditions. For these reasons, this variant has been classified as Pathogenic.

Literature cited by the submitters: PubMed 38479391.